The following is an entry in ClinVar:

NM_000206.3(IL2RG):c.287A>G (p.Asn96Ser)

Gene: IL2RG (interleukin 2 receptor subunit gamma; minus strand). Cytogenetic location: Xq13.1.
Variant type: single nucleotide variant.
Coding change: c.287A>G on transcript NM_000206.3 (MANE Select); coding-DNA position 287, A replaced by G.
Protein change: p.Asn96Ser; replaces asparagine 96 with serine.
Molecular consequence: missense variant.
Genome position (GRCh38, 1-based): chrX:71,110,671, T>C on the plus strand (A>G on the coding strand, the complement: IL2RG is on the minus strand). VCF-style: chrX-71110671-T-C. GRCh37 (hg19) VCF-style: chrX-70330521-T-C.
Other names: short protein forms N96S.
Identifiers: ClinVar variation 3685733 (VCV003685733.2).

ClinVar aggregate classification (germline): Uncertain significance (1 of 4 stars; one submission).

Conditions:
X-linked severe combined immunodeficiency (SCIDX1). Also called: IMMUNODEFICIENCY 4; SCID, X-LINKED; SEVERE COMBINED IMMUNODEFICIENCY, X-LINKED, T CELL-NEGATIVE, B CELL-POSITIVE, NK CELL-NEGATIVE; X-Linked Combined Immunodeficiency Diseases; T-B+ severe combined immunodeficiency due to gamma chain deficiency. Identifiers: Orphanet 276, MedGen C6022468, MONDO:0010315, OMIM 300400. Disease mechanism: loss of function.

Submission:

Labcorp Genetics (formerly Invitae), Labcorp
Classification: Uncertain significance for X-linked severe combined immunodeficiency. Last evaluated: 2024-11-27. Review status: criteria provided, single submitter. Criteria: Invitae Variant Classification Sherloc (09022015). Collection method: clinical testing. Allele origin: germline.
Comment: This sequence change replaces asparagine, which is neutral and polar, with serine, which is neutral and polar, at codon 96 of the IL2RG protein (p.Asn96Ser). This variant is not present in population databases (gnomAD no frequency). This variant has not been reported in the literature in individuals affected with IL2RG-related conditions. Invitae Evidence Modeling of protein sequence and biophysical properties (such as structural, functional, and spatial information, amino acid conservation, physicochemical variation, residue mobility, and thermodynamic stability) indicates that this missense variant is not expected to disrupt IL2RG protein function with a negative predictive value of 95%. In summary, the available evidence is currently insufficient to determine the role of this variant in disease. Therefore, it has been classified as a Variant of Uncertain Significance.